The following is an entry in ClinVar:

ClinVar aggregate classification (germline): Uncertain significance (1 of 4 stars; one submission).

Conditions:
Cardiovascular phenotype. Identifiers: MedGen CN230736.

Submission:

Ambry Genetics
Classification: Uncertain significance for Cardiovascular phenotype. Last evaluated: 2022-12-16. Review status: criteria provided, single submitter. Criteria: Ambry Variant Classification Scheme 2023. Collection method: clinical testing. Allele origin: germline.
Comment: The p.E419D variant (also known as c.1257G>C), located in coding exon 5 of the SHOC2 gene, results from a G to C substitution at nucleotide position 1257. The glutamic acid at codon 419 is replaced by aspartic acid, an amino acid with highly similar properties. This amino acid position is conserved. In addition, this alteration is predicted to be tolerated by in silico analysis. Since supporting evidence is limited at this time, the clinical significance of this alteration remains unclear.

NM_007373.4(SHOC2):c.1257G>C (p.Glu419Asp)

Gene: SHOC2 (SHOC2 leucine rich repeat scaffold protein; plus strand). Cytogenetic location: 10q25.2.
Variant type: single nucleotide variant.
Coding change: c.1257G>C on transcript NM_007373.4 (MANE Select); coding-DNA position 1257, G replaced by C.
Protein change: p.Glu419Asp; replaces glutamic acid 419 with aspartic acid.
Molecular consequence: missense variant. On other transcripts: non-coding transcript variant (1).
Genome position (GRCh38, 1-based): chr10:111,007,626, G>C. VCF-style: chr10-111007626-G-C. GRCh37 (hg19) VCF-style: chr10-112767384-G-C.
Other names: c.1119G>C, p.Glu373Asp (NM_001269039.3); c.1257G>C, p.Glu419Asp (NM_001324336.2, NM_001324337.2); short protein forms E373D, E419D.
Identifiers: ClinVar variation 2450871 (VCV002450871.2), dbSNP rs2493954290, ClinGen allele CA378523518.